The following is an entry in ClinVar:

ClinVar aggregate classification (germline): Uncertain significance (1 of 4 stars; one submission).

Conditions:
ERBIN-related disorder. Also called: ERBIN-related condition.

Submission:

PreventionGenetics, part of Exact Sciences
Classification: Uncertain significance for ERBIN-related condition. Last evaluated: 2025-11-17. Review status: criteria provided, single submitter. Criteria: ACMG Guidelines, 2015. Collection method: clinical testing. Allele origin: germline.
Comment: The ERBIN c.3718G>T variant is predicted to result in the amino acid substitution p.Asp1240Tyr. To our knowledge, this variant has not been reported in the literature or in a large population database (gnomAD), indicating this variant is rare. At this time, the clinical significance of this variant is uncertain due to the absence of conclusive functional and genetic evidence.

NM_001253697.2(ERBIN):c.4048G>T (p.Asp1350Tyr)

Gene: ERBIN (erbb2 interacting protein; plus strand). Cytogenetic location: 5q12.3.
Variant type: single nucleotide variant.
Coding change: c.4048G>T on transcript NM_001253697.2 (MANE Select); coding-DNA position 4048, G replaced by T.
Protein change: p.Asp1350Tyr; replaces aspartic acid 1350 with tyrosine.
Molecular consequence: missense variant.
Genome position (GRCh38, 1-based): chr5:66,076,400, G>T. VCF-style: chr5-66076400-G-T. GRCh37 (hg19) VCF-style: chr5-65372228-G-T.
Other names: c.3718G>T, p.Asp1240Tyr (NM_001006600.3); c.3925G>T, p.Asp1309Tyr (NM_001253698.2, NM_018695.4); c.4069G>T, p.Asp1357Tyr (NM_001253699.2); c.3913G>T, p.Asp1305Tyr (NM_001253701.2); short protein forms D1350Y, D1240Y, D1305Y, D1309Y, D1357Y.
Identifiers: ClinVar variation 4993581 (VCV004993581.1).